The following is an entry in ClinVar:

ClinVar aggregate classification (germline): Pathogenic (1 of 4 stars; one submission).

Conditions:
Capillary malformation-arteriovenous malformation 1 (CMAVM1). Identifiers: Orphanet 137667, Orphanet 693907, MedGen C4747394, MONDO:0020783, OMIM 608354.

Submission:

Seattle Children's Hospital Molecular Genetics Laboratory, Seattle Children's Hospital
Classification: Pathogenic for Capillary malformation-arteriovenous malformation 1. Review status: criteria provided, single submitter. Criteria: ACMG Guidelines, 2015. Collection method: clinical testing. Allele origin: germline. Affected: yes.
Comment: The p.Gln681Hisfs*19 variant substitutes the glutamine at amino acid position 681 with a histidine followed by a premature termination codon after 19 residues. It is predicted to result in loss of protein function via nonsense-mediated decay.

NM_002890.3(RASA1):c.2041_2042dup (p.Gln681fs)

Genes: CCNH (cyclin H; minus strand), RASA1 (RAS p21 protein activator 1; plus strand). Cytogenetic location: 5q14.3.
Variant type: Duplication.
Coding change: c.2041_2042dup on transcript NM_002890.3 (MANE Select); coding-DNA positions 2041 to 2042, 2 bases duplicated (CA; older notation c.2041_2042dupCA).
Protein change: p.Gln681fs; shifts the reading frame from glutamine 681.
Molecular consequence: frameshift variant. On other transcripts: intron variant (1).
Genome position (GRCh38, 1-based): chr5:87,376,422-87,376,423, CA duplicated; duplicating any 2 consecutive bases within chr5:87,376,421-87,376,423 gives the same sequence; the c. name uses the placement nearest the transcript's 3' end. VCF-style (leftmost placement, unchanged base first): chr5-87376420-T-TAC. GRCh37 (hg19) VCF-style: chr5-86672237-T-TAC.
Other names: c.1510_1511dup, p.Gln504fs (NM_022650.3); c.933+18622_933+18623dup (NM_001364075.2); short protein forms Q504fs, Q681fs.
Identifiers: ClinVar variation 3340442 (VCV003340442.1).